The following is an entry in ClinVar:

NM_000384.3(APOB):c.7967T>C (p.Phe2656Ser)

Gene: APOB (apolipoprotein B; minus strand). Cytogenetic location: 2p24.1.
Variant type: single nucleotide variant.
Coding change: c.7967T>C on transcript NM_000384.3 (MANE Select); coding-DNA position 7967, T replaced by C.
Protein change: p.Phe2656Ser; replaces phenylalanine 2656 with serine.
Molecular consequence: missense variant.
Genome position (GRCh38, 1-based): chr2:21,008,901, A>G on the plus strand (T>C on the coding strand, the complement: APOB is on the minus strand). VCF-style: chr2-21008901-A-G. GRCh37 (hg19) VCF-style: chr2-21231773-A-G.
Other names: short protein forms F2656S.
Identifiers: ClinVar variation 3415884 (VCV003415884.1).

ClinVar aggregate classification (germline): Uncertain significance (1 of 4 stars; one submission).

Conditions:
Cardiovascular phenotype. Identifiers: MedGen CN230736.

gnomAD v4.1: 2 of 1,614,068 alleles (0.00012%); highest among the groups gnomAD compares: South Asian, 0.0022%; no homozygotes.

Submission:

Ambry Genetics
Classification: Uncertain significance for Cardiovascular phenotype. Last evaluated: 2024-08-25. Review status: criteria provided, single submitter. Criteria: Ambry Variant Classification Scheme 2023. Collection method: clinical testing. Allele origin: germline.
Comment: The p.F2656S variant (also known as c.7967T>C), located in coding exon 26 of the APOB gene, results from a T to C substitution at nucleotide position 7967. The phenylalanine at codon 2656 is replaced by serine, an amino acid with highly dissimilar properties. This amino acid position is conserved. In addition, this alteration is predicted to be tolerated by in silico analysis. Based on the available evidence, the clinical significance of this variant remains unclear.